The following is an entry in ClinVar:

ClinVar aggregate classification (germline): Uncertain significance. Review status: criteria provided, multiple submitters, no conflicts (2 of 4 stars). 4 submissions from 4 submitters: Uncertain significance (3). 1 of the submissions does not count toward it. Last evaluated 2024-10-02.

Conditions:
Dyskeratosis congenita. Identifiers: Orphanet 1775, MedGen C0265965, MONDO:0015780.
Dyskeratosis congenita, autosomal dominant 2. Identifiers: MedGen C3151443, MONDO:0013521, OMIM 613989.
Idiopathic Pulmonary Fibrosis. Also called: Idiopathic fibrosing alveolitis, chronic form; idiopathic fibrosing alveolitis. Identifiers: Orphanet 2032, MedGen C1800706, MeSH D054990, MONDO:0800504.
TERT-related disorder. Also called: TERT-related disorders; TERT-related condition.

Allele frequency attached by ClinVar (database versions not stated): gnomAD exomes below 0.00001; TOPMed below 0.00001.
gnomAD v4.1: 2 of 1,614,122 alleles (0.00012%); highest among the groups gnomAD compares: Non-Finnish European, 0.00017%; no homozygotes.

Submissions (4):

Blueprint Genetics
Classification: Uncertain significance. Last evaluated: 2024-10-02. Review status: criteria provided, single submitter. Criteria: ACMG Guidelines, 2015. Collection method: clinical testing. Allele origin: germline.

Ambry Genetics
Classification: Uncertain significance for Dyskeratosis congenita. Last evaluated: 2022-11-30. Review status: criteria provided, single submitter. Criteria: Ambry Variant Classification Scheme 2023. Collection method: clinical testing. Allele origin: germline.
Comment: The p.E555K variant (also known as c.1663G>A), located in coding exon 3 of the TERT gene, results from a G to A substitution at nucleotide position 1663. The glutamic acid at codon 555 is replaced by lysine, an amino acid with similar properties. This amino acid position is conserved. In addition, this alteration is predicted to be tolerated by in silico analysis. Since supporting evidence is limited at this time, the clinical significance of this alteration remains unclear.

Labcorp Genetics (formerly Invitae), Labcorp
Classification: Uncertain significance for Dyskeratosis congenita, autosomal dominant 2; Idiopathic Pulmonary Fibrosis. Last evaluated: 2022-06-27. Review status: criteria provided, single submitter. Criteria: Invitae Variant Classification Sherloc (09022015). Collection method: clinical testing. Allele origin: germline.
Comment: This sequence change replaces glutamic acid, which is acidic and polar, with lysine, which is basic and polar, at codon 555 of the TERT protein (p.Glu555Lys). This variant is not present in population databases (gnomAD no frequency). This variant has not been reported in the literature in individuals affected with TERT-related conditions. Advanced modeling of protein sequence and biophysical properties (such as structural, functional, and spatial information, amino acid conservation, physicochemical variation, residue mobility, and thermodynamic stability) performed at Invitae indicates that this missense variant is expected to disrupt TERT protein function. In summary, the available evidence is currently insufficient to determine the role of this variant in disease. Therefore, it has been classified as a Variant of Uncertain Significance.

PreventionGenetics, part of Exact Sciences
Classification: Uncertain significance for TERT-related condition. Last evaluated: 2024-03-04. Review status: no assertion criteria provided. Collection method: clinical testing. Allele origin: germline. Not counted in ClinVar's aggregate classification.
Comment: The TERT c.1663G>A variant is predicted to result in the amino acid substitution p.Glu555Lys. To our knowledge, this variant has not been reported in the literature or in gnomAD, indicating this variant is rare. In ClinVar, this variant has been reported as a variant of uncertain significance. At this time, the clinical significance of this variant is uncertain due to the absence of conclusive functional and genetic evidence.

NM_198253.3(TERT):c.1663G>A (p.Glu555Lys)

Gene: TERT (telomerase reverse transcriptase; minus strand). Cytogenetic location: 5p15.33.
Variant type: single nucleotide variant.
Coding change: c.1663G>A on transcript NM_198253.3 (MANE Select); coding-DNA position 1663, G replaced by A.
Protein change: p.Glu555Lys; replaces glutamic acid 555 with lysine.
Molecular consequence: missense variant. On other transcripts: non-coding transcript variant (2).
Genome position (GRCh38, 1-based): chr5:1,282,535, C>T on the plus strand (G>A on the coding strand, the complement: TERT is on the minus strand). VCF-style: chr5-1282535-C-T. GRCh37 (hg19) VCF-style: chr5-1282650-C-T.
Other names: c.1663G>A, p.Glu555Lys (NM_001193376.3, NM_003219.1); short protein forms E555K.
Identifiers: ClinVar variation 2051772 (VCV002051772.6), dbSNP rs1413965241, ClinGen allele CA359083161.